The following is an entry in ClinVar:

NM_133433.4(NIPBL):c.4183A>G (p.Ser1395Gly)

Gene: NIPBL (NIPBL cohesin loading factor; plus strand). Cytogenetic location: 5p13.2.
Variant type: single nucleotide variant.
Coding change: c.4183A>G on transcript NM_133433.4 (MANE Select); coding-DNA position 4183, A replaced by G.
Protein change: p.Ser1395Gly; replaces serine 1395 with glycine.
Molecular consequence: missense variant.
Genome position (GRCh38, 1-based): chr5:37,007,418, A>G. VCF-style: chr5-37007418-A-G. GRCh37 (hg19) VCF-style: chr5-37007520-A-G.
Other names: c.4183A>G, p.Ser1395Gly (NM_015384.5); short protein forms S1395G.
Identifiers: ClinVar variation 2094704 (VCV002094704.4), dbSNP rs2478158145, ClinGen allele CA359525883.
Genomic context (GRCh38, chr5:37,007,418, plus strand): 5'-TGTTCTACCCATAAGCAGAGAGTAATAGTAATGCTTTATAACAAAGTTTGTGACATTGTT[A>G]GCAGCTTATCAGAATTGCTAGAGATACAACTTCTTACAGACACAACAATTCTTCAGGTAA-3'
Protein context (NP_597677.2, residues 1385-1405): MLYNKVCDIV[Ser1395Gly]SLSELLEIQL

ClinVar aggregate classification (germline): Uncertain significance (1 of 4 stars; one submission).

Conditions:
Cornelia de Lange syndrome 1 (CDLS1). Also called: Brachmann de Lange syndrome; NIPBL-Related Cornelia de Lange Syndrome; TYPUS DEGENERATIVUS AMSTELODAMENSIS. Identifiers: Orphanet 199, MedGen C4551851, MONDO:0007387, OMIM 122470.

Submission:

Labcorp Genetics (formerly Invitae), Labcorp
Classification: Uncertain significance for Cornelia de Lange syndrome 1. Last evaluated: 2022-02-08. Review status: criteria provided, single submitter. Criteria: Invitae Variant Classification Sherloc (09022015). Collection method: clinical testing. Allele origin: germline.
Comment: In summary, the available evidence is currently insufficient to determine the role of this variant in disease. Therefore, it has been classified as a Variant of Uncertain Significance. Advanced modeling of protein sequence and biophysical properties (such as structural, functional, and spatial information, amino acid conservation, physicochemical variation, residue mobility, and thermodynamic stability) performed at Invitae indicates that this missense variant is not expected to disrupt NIPBL protein function. This variant has not been reported in the literature in individuals affected with NIPBL-related conditions. This variant is not present in population databases (gnomAD no frequency). This sequence change replaces serine, which is neutral and polar, with glycine, which is neutral and non-polar, at codon 1395 of the NIPBL protein (p.Ser1395Gly).